The following is an entry in ClinVar:

NM_177550.5(SLC13A5):c.1646G>A (p.Arg549Gln)

Gene: SLC13A5 (solute carrier family 13 member 5; minus strand). Cytogenetic location: 17p13.1.
Variant type: single nucleotide variant.
Coding change: c.1646G>A on transcript NM_177550.5 (MANE Select); coding-DNA position 1646, G replaced by A.
Protein change: p.Arg549Gln; replaces arginine 549 with glutamine.
Molecular consequence: missense variant.
Genome position (GRCh38, 1-based): chr17:6,686,268, C>T on the plus strand (G>A on the coding strand, the complement: SLC13A5 is on the minus strand). VCF-style: chr17-6686268-C-T. GRCh37 (hg19) VCF-style: chr17-6589587-C-T.
Other names: c.1508G>A, p.Arg503Gln (NM_001143838.3); c.1595G>A, p.Arg532Gln (NM_001284509.2); c.1517G>A, p.Arg506Gln (NM_001284510.2); short protein forms R503Q, R532Q, R549Q, R506Q.
Identifiers: ClinVar variation 946341 (VCV000946341.6), dbSNP rs373799811, ClinGen allele CA8331301.

ClinVar aggregate classification (germline): Uncertain significance. Review status: criteria provided, multiple submitters, no conflicts (2 of 4 stars). 2 submissions from 2 submitters: Uncertain significance (2). Last evaluated 2023-04-18.

Conditions:
Developmental and epileptic encephalopathy, 25 (DEE25). Also called: Epileptic encephalopathy, early infantile, 25; Developmental and epileptic encephalopathy 25, with amelogenesis imperfecta; Epileptic encephalopathy, early infantile, 25, with amelogenesis imperfecta. Identifiers: Orphanet 442835, MedGen C4014621, MONDO:0014392, OMIM 615905.

Allele frequency attached by ClinVar (database versions not stated): gnomAD 0.00001; TOPMed 0.00002; gnomAD exomes 0.00003; ExAC 0.00002; ESP Exome Variant Server 0.00008.
gnomAD v4.1: 31 of 1,614,016 alleles (0.0019%); highest among the groups gnomAD compares: Admixed American, 0.0083%; no homozygotes.

Submissions (2):

GeneDx
Classification: Uncertain significance. Last evaluated: 2023-04-18. Review status: criteria provided, single submitter. Criteria: GeneDx Variant Classification Process June 2021. Collection method: clinical testing. Allele origin: germline. Affected: yes.
Comment: Not observed at significant frequency in large population cohorts (gnomAD); In silico analysis supports that this missense variant does not alter protein structure/function; Has not been previously published as pathogenic or benign to our knowledge

Labcorp Genetics (formerly Invitae), Labcorp
Classification: Uncertain significance for Developmental and epileptic encephalopathy, 25. Last evaluated: 2022-09-22. Review status: criteria provided, single submitter. Criteria: Invitae Variant Classification Sherloc (09022015). Collection method: clinical testing. Allele origin: germline.
Comment: This sequence change replaces arginine, which is basic and polar, with glutamine, which is neutral and polar, at codon 549 of the SLC13A5 protein (p.Arg549Gln). This variant is present in population databases (rs373799811, gnomAD 0.006%). This variant has not been reported in the literature in individuals affected with SLC13A5-related conditions. ClinVar contains an entry for this variant (Variation ID: 946341). Advanced modeling of protein sequence and biophysical properties (such as structural, functional, and spatial information, amino acid conservation, physicochemical variation, residue mobility, and thermodynamic stability) performed at Invitae indicates that this missense variant is not expected to disrupt SLC13A5 protein function. Algorithms developed to predict the effect of sequence changes on RNA splicing suggest that this variant may create or strengthen a splice site. In summary, the available evidence is currently insufficient to determine the role of this variant in disease. Therefore, it has been classified as a Variant of Uncertain Significance.